The following is an entry in ClinVar:

ClinVar aggregate classification (germline): Uncertain significance (1 of 4 stars; one submission).

Conditions:
Cystic fibrosis (CF). Also called: MUCOVISCIDOSIS. Identifiers: Orphanet 586, MedGen C0010674, MONDO:0009061, OMIM 219700. Disease mechanism: loss of function.

Submission:

Ambry Genetics
Classification: Uncertain significance for Cystic fibrosis. Last evaluated: 2025-09-25. Review status: criteria provided, single submitter. Criteria: Ambry Variant Classification Scheme 2023. Collection method: clinical testing. Allele origin: germline.
Comment: The p.K283N variant (also known as c.849A>C), located in coding exon 7 of the CFTR gene, results from an A to C substitution at nucleotide position 849. The lysine at codon 283 is replaced by asparagine, an amino acid with similar properties. This amino acid position is not well conserved in available vertebrate species. In addition, this alteration is predicted to be tolerated by in silico analysis. Based on the available evidence, the clinical significance of this variant remains unclear.

NM_000492.4(CFTR):c.849A>C (p.Lys283Asn)

Gene: CFTR (CF transmembrane conductance regulator; plus strand). Cytogenetic location: 7q31.2.
Variant type: single nucleotide variant.
Coding change: c.849A>C on transcript NM_000492.4 (MANE Select); coding-DNA position 849, A replaced by C.
Protein change: p.Lys283Asn; replaces lysine 283 with asparagine.
Molecular consequence: missense variant.
Genome position (GRCh38, 1-based): chr7:117,536,653, A>C. VCF-style: chr7-117536653-A-C. GRCh37 (hg19) VCF-style: chr7-117176707-A-C.
Other names: short protein forms K283N.
Identifiers: ClinVar variation 4646668 (VCV004646668.1).